The following is an entry in ClinVar:

ClinVar aggregate classification (germline): Uncertain significance (1 of 4 stars; one submission).

Conditions:
Nephronophthisis. Also called: Juvenile Nephronophthisis. Identifiers: Orphanet 655, MedGen C0687120, MONDO:0019005, HP:0000090.

Allele frequency attached by ClinVar (database versions not stated): gnomAD exomes below 0.00001; gnomAD 0.00001.
gnomAD v4.1: 3 of 1,607,018 alleles (0.00019%); highest among the groups gnomAD compares: Admixed American, 0.0017%; no homozygotes.

Submission:

Labcorp Genetics (formerly Invitae), Labcorp
Classification: Uncertain significance for Nephronophthisis. Last evaluated: 2022-06-27. Review status: criteria provided, single submitter. Criteria: Invitae Variant Classification Sherloc (09022015). Collection method: clinical testing. Allele origin: germline.
Comment: In summary, the available evidence is currently insufficient to determine the role of this variant in disease. Therefore, it has been classified as a Variant of Uncertain Significance. Algorithms developed to predict the effect of missense changes on protein structure and function output the following: SIFT: "Deleterious"; PolyPhen-2: "Benign"; Align-GVGD: "Class C0". The arginine amino acid residue is found in multiple mammalian species, which suggests that this missense change does not adversely affect protein function. This variant has not been reported in the literature in individuals affected with NPHP4-related conditions. This variant is present in population databases (no rsID available, gnomAD 0.0009%). This sequence change replaces glycine, which is neutral and non-polar, with arginine, which is basic and polar, at codon 900 of the NPHP4 protein (p.Gly900Arg).

NM_015102.5(NPHP4):c.2698G>A (p.Gly900Arg)

Gene: NPHP4 (nephrocystin 4; minus strand). Cytogenetic location: 1p36.31.
Variant type: single nucleotide variant.
Coding change: c.2698G>A on transcript NM_015102.5 (MANE Select); coding-DNA position 2698, G replaced by A.
Protein change: p.Gly900Arg; replaces glycine 900 with arginine.
Molecular consequence: missense variant. On other transcripts: non-coding transcript variant (1).
Genome position (GRCh38, 1-based): chr1:5,877,212, C>T on the plus strand (G>A on the coding strand, the complement: NPHP4 is on the minus strand). VCF-style: chr1-5877212-C-T. GRCh37 (hg19) VCF-style: chr1-5937272-C-T.
Other names: c.1159G>A, p.Gly387Arg (NM_001291593.2); c.1162G>A, p.Gly388Arg (NM_001291594.2); short protein forms G388R, G387R, G900R.
Identifiers: ClinVar variation 1419390 (VCV001419390.8), dbSNP rs1424882864, ClinGen allele CA338057391.